The following is an entry in ClinVar:

NM_000368.5(TSC1):c.2521G>T (p.Val841Phe)

Gene: TSC1 (TSC complex subunit 1; minus strand). Cytogenetic location: 9q34.13.
Variant type: single nucleotide variant.
Coding change: c.2521G>T on transcript NM_000368.5 (MANE Select); coding-DNA position 2521, G replaced by T.
Protein change: p.Val841Phe; replaces valine 841 with phenylalanine.
Molecular consequence: missense variant.
Genome position (GRCh38, 1-based): chr9:132,900,819, C>A on the plus strand (G>T on the coding strand, the complement: TSC1 is on the minus strand). VCF-style: chr9-132900819-C-A. GRCh37 (hg19) VCF-style: chr9-135776206-C-A.
Other names: c.2518G>T, p.Val840Phe (NM_001162426.2); c.2368G>T, p.Val790Phe (NM_001162427.2); c.2158G>T, p.Val720Phe (NM_001362177.2); short protein forms V790F, V840F, V720F, V841F.
Identifiers: ClinVar variation 1395947 (VCV001395947.8), dbSNP rs1343088775, ClinGen allele CA375370287.

ClinVar aggregate classification (germline): Conflicting classifications of pathogenicity. Review status: criteria provided, conflicting classifications (1 of 4 stars). 2 submissions from 2 submitters: Uncertain significance (1); Likely benign (1). Last evaluated 2022-12-06.

Conditions:
Tuberous sclerosis 1 (TSC1). Identifiers: Orphanet 805, MedGen C1854465, MONDO:0008612, OMIM 191100.
Hereditary cancer-predisposing syndrome. Also called: Hereditary neoplastic syndrome; Neoplastic Syndromes, Hereditary; Hereditary Cancer Syndrome; Tumor predisposition. Identifiers: Orphanet 140162, MedGen C0027672, MeSH D009386, MONDO:0015356.

Allele frequency attached by ClinVar (database versions not stated): gnomAD exomes below 0.00001 and 0.00001; TOPMed below 0.00001.
gnomAD v4.1: 12 of 1,614,112 alleles (0.00074%); highest among the groups gnomAD compares: Non-Finnish European, 0.001%; no homozygotes.

Submissions (2):

Labcorp Genetics (formerly Invitae), Labcorp
Classification: Likely benign for Tuberous sclerosis 1. Last evaluated: 2022-12-06. Review status: criteria provided, single submitter. Criteria: Invitae Variant Classification Sherloc (09022015). Collection method: clinical testing. Allele origin: germline.

Ambry Genetics
Classification: Uncertain significance for Hereditary cancer-predisposing syndrome. Last evaluated: 2021-04-01. Review status: criteria provided, single submitter. Criteria: Ambry Variant Classification Scheme 2023. Collection method: clinical testing. Allele origin: germline.
Comment: The p.V841F variant (also known as c.2521G>T), located in coding exon 18 of the TSC1 gene, results from a G to T substitution at nucleotide position 2521. The valine at codon 841 is replaced by phenylalanine, an amino acid with highly similar properties. This amino acid position is well conserved in available vertebrate species. In addition, the in silico prediction for this alteration is inconclusive. Since supporting evidence is limited at this time, the clinical significance of this alteration remains unclear.